The following is an entry in ClinVar:

ClinVar aggregate classification (germline): Uncertain significance (1 of 4 stars; one submission).

Submission:

Labcorp Genetics (formerly Invitae), Labcorp
Classification: Uncertain significance. Last evaluated: 2019-07-30. Review status: criteria provided, single submitter. Criteria: Invitae Variant Classification Sherloc (09022015). Collection method: clinical testing. Allele origin: germline.
Comment: This sequence change replaces lysine with asparagine at codon 2045 of the MYO7A protein (p.Lys2045Asn). The lysine residue is highly conserved and there is a moderate physicochemical difference between lysine and asparagine. This variant is not present in population databases (ExAC no frequency). This variant has not been reported in the literature in individuals with MYO7A-related conditions. Algorithms developed to predict the effect of missense changes on protein structure and function are either unavailable or do not agree on the potential impact of this missense change (SIFT: "Tolerated"; PolyPhen-2: "Benign"; Align-GVGD: "Class C0"). In summary, the available evidence is currently insufficient to determine the role of this variant in disease. Therefore, it has been classified as a Variant of Uncertain Significance.

NM_000260.4(MYO7A):c.6135G>C (p.Lys2045Asn)

Gene: MYO7A (myosin VIIA; plus strand). Cytogenetic location: 11q13.5.
Variant type: single nucleotide variant.
Coding change: c.6135G>C on transcript NM_000260.4 (MANE Select); coding-DNA position 6135, G replaced by C.
Protein change: p.Lys2045Asn; replaces lysine 2045 with asparagine.
Molecular consequence: missense variant.
Genome position (GRCh38, 1-based): chr11:77,211,235, G>C. VCF-style: chr11-77211235-G-C. GRCh37 (hg19) VCF-style: chr11-76922280-G-C.
Other names: c.6021G>C, p.Lys2007Asn (NM_001127180.2); c.5988G>C, p.Lys1996Asn (NM_001369365.1); short protein forms K1996N, K2007N, K2045N.
Identifiers: ClinVar variation 957900 (VCV000957900.9), dbSNP rs1957845045, ClinGen allele CA381935880.